The following is an entry in ClinVar:

ClinVar aggregate classification (germline): Likely benign. Review status: criteria provided, multiple submitters, no conflicts (2 of 4 stars). 3 submissions from 3 submitters: Likely benign (3). Last evaluated 2026-04-28.

Conditions:
Hereditary cancer-predisposing syndrome. Also called: Neoplastic Syndromes, Hereditary; Tumor predisposition; Hereditary Cancer Syndrome; Hereditary neoplastic syndrome. Identifiers: Orphanet 140162, MedGen C0027672, MeSH D009386, MONDO:0015356.
Gorlin syndrome. Also called: Nevoid Basal Cell Carcinoma Syndrome; Basal cell nevus syndrome. Identifiers: Orphanet 377, MedGen C0004779, MONDO:0007187.
PTCH1-related disorder. Also called: PTCH1-related disorders; PTCH1-related condition.

Allele frequency attached by ClinVar (database versions not stated): TOPMed 0.00001; gnomAD 0.00003 and 0.00005; gnomAD exomes 0.00004; ExAC 0.00010.
gnomAD v4.1: 60 of 1,567,758 alleles (0.0038%); highest among the groups gnomAD compares: Middle Eastern, 0.05%; no homozygotes.

Submissions (3):

PreventionGenetics, part of Exact Sciences
Classification: Likely benign for PTCH1-related condition. Last evaluated: 2026-04-28. Review status: criteria provided, single submitter. Criteria: ACMG Guidelines, 2015. Collection method: clinical testing. Allele origin: germline.
Comment: This variant is classified as likely benign based on ACMG/AMP sequence variant interpretation guidelines (Richards et al. 2015 PMID: 25741868, with internal and published modifications).

Labcorp Genetics (formerly Invitae), Labcorp
Classification: Likely benign for Gorlin syndrome. Last evaluated: 2025-12-19. Review status: criteria provided, single submitter. Criteria: Invitae Variant Classification Sherloc (09022015). Collection method: clinical testing. Allele origin: germline.

Ambry Genetics
Classification: Likely benign for Hereditary cancer-predisposing syndrome. Last evaluated: 2022-11-15. Review status: criteria provided, single submitter. Criteria: Ambry Variant Classification Scheme 2023. Collection method: clinical testing. Allele origin: germline.

NM_000264.5(PTCH1):c.3616C>T (p.Arg1206Cys)

Gene: PTCH1 (patched 1; minus strand). Cytogenetic location: 9q22.32.
Variant type: single nucleotide variant.
Coding change: c.3616C>T on transcript NM_000264.5 (MANE Select); coding-DNA position 3616, C replaced by T.
Protein change: p.Arg1206Cys; replaces arginine 1206 with cysteine.
Molecular consequence: missense variant. On other transcripts: non-coding transcript variant (1).
Genome position (GRCh38, 1-based): chr9:95,449,257, G>A on the plus strand (C>T on the coding strand, the complement: PTCH1 is on the minus strand). VCF-style: chr9-95449257-G-A. GRCh37 (hg19) VCF-style: chr9-98211539-G-A.
Other names: c.3418C>T, p.Arg1140Cys (NM_001083602.3); c.3613C>T, p.Arg1205Cys (NM_001083603.3); c.3163C>T, p.Arg1055Cys (NM_001083604.3, NM_001083605.3, NM_001083606.3 and 1 more transcripts); c.3460C>T, p.Arg1154Cys (NM_001354918.2); short protein forms R1140C, R1206C, R1205C, R1055C, R1154C.
Identifiers: ClinVar variation 409182 (VCV000409182.16), dbSNP rs772537644, ClinGen allele CA5138102.